The following is an entry in ClinVar:

ClinVar aggregate classification (germline): Uncertain significance (1 of 4 stars; one submission).

gnomAD v4.1: 52 of 1,608,460 alleles (0.0032%); highest among the groups gnomAD compares: Admixed American, 0.0083%; no homozygotes.

Submission:

GeneDx
Classification: Uncertain significance. Last evaluated: 2026-06-03. Review status: criteria provided, single submitter. Criteria: GeneDx Variant Classification Process June 2021. Collection method: clinical testing. Allele origin: germline.
Comment: In silico analysis supports that this missense variant has a deleterious effect on protein structure/function; Has not been previously published as pathogenic or benign to our knowledge

NM_058004.4(PI4KA):c.2717G>A (p.Arg906His)

Gene: PI4KA (phosphatidylinositol 4-kinase alpha; minus strand). Cytogenetic location: 22q11.21.
Variant type: single nucleotide variant.
Coding change: c.2717G>A on transcript NM_058004.4 (MANE Select); coding-DNA position 2717, G replaced by A.
Protein change: p.Arg906His; replaces arginine 906 with histidine.
Molecular consequence: missense variant.
Genome position (GRCh38, 1-based): chr22:20,761,378, C>T on the plus strand (G>A on the coding strand, the complement: PI4KA is on the minus strand). VCF-style: chr22-20761378-C-T. GRCh37 (hg19) VCF-style: chr22-21115666-C-T.
Other names: c.2717G>A, p.Arg906His (NM_001362862.2); c.2651G>A, p.Arg884His (NM_001362863.2); short protein forms R884H, R906H.
Identifiers: ClinVar variation 3368935 (VCV003368935.2).